The following is an entry in ClinVar:

ClinVar aggregate classification (germline): Uncertain significance. Review status: criteria provided, multiple submitters, no conflicts (2 of 4 stars). 2 submissions from 2 submitters: Uncertain significance (2). Last evaluated 2026-08-19.

Conditions:
Mitochondrial DNA depletion syndrome 1. Also called: Mitochondrial neurogastrointestinal encephalomyopathy syndrome; Mitochondrial DNA depletion syndrome 1 (MNGIE type); Mitochondrial DNA Depletion Syndrome, MNGIE Form; POLIP SYNDROME; POLYNEUROPATHY, OPHTHALMOPLEGIA, LEUKOENCEPHALOPATHY, AND INTESTINAL PSEUDOOBSTRUCTION; Mitochondrial Neurogastrointestinal Encephalopathy Disease. Identifiers: Orphanet 298, MedGen C4551995, MONDO:0011283, OMIM 603041.

Submissions (2):

Myriad Genetics, Inc.
Classification: Uncertain significance for Mitochondrial DNA depletion syndrome 1. Last evaluated: 2026-08-19. Review status: criteria provided, single submitter. Criteria: Myriad Autosomal Dominant, Autosomal Recessive and X-Linked Classification Criteria (2023). Collection method: clinical testing. Allele origin: unknown.
Comment: NM_001953.4(TYMP):c.833G>A(G278D) is a missense variant classified as a variant of uncertain significance in the context of mitochondrial neurogastrointestinal encephalopathy disease. G278D has been observed in cases with relevant disease (PMID: 28411356). Relevant functional assessments of this variant are not available in the literature. G278D has not been observed in referenced population frequency databases. In summary, there is insufficient evidence to classify NM_001953.4(TYMP):c.833G>A(G278D) as pathogenic or benign. Please note: this variant was assessed in the context of healthy population screening.

Genomic Medicine Center of Excellence, King Faisal Specialist Hospital and Research Centre
Classification: Uncertain significance for Mitochondrial DNA depletion syndrome 1. Last evaluated: 2024-03-29. Review status: criteria provided, single submitter. Criteria: ACMG Guidelines, 2015. Collection method: clinical testing. Allele origin: germline.

Literature cited by the submitters: PubMed 28411356 (cited by Myriad Genetics, Inc.).

NM_001953.5(TYMP):c.833G>A (p.Gly278Asp)

Gene: TYMP (thymidine phosphorylase; minus strand). Cytogenetic location: 22q13.33.
Variant type: single nucleotide variant.
Coding change: c.833G>A on transcript NM_001953.5 (MANE Select); coding-DNA position 833, G replaced by A.
Protein change: p.Gly278Asp; replaces glycine 278 with aspartic acid.
Molecular consequence: missense variant.
Genome position (GRCh38, 1-based): chr22:50,526,671, C>T on the plus strand (G>A on the coding strand, the complement: TYMP is on the minus strand). VCF-style: chr22-50526671-C-T. GRCh37 (hg19) VCF-style: chr22-50965100-C-T.
Other names: c.833G>A, p.Gly278Asp (NM_001257989.1, NM_001113755.3, NM_001113756.3 and 1 more transcripts); short protein forms G278D.
Identifiers: ClinVar variation 3064705 (VCV003064705.2), dbSNP rs2522519406, ClinGen allele CA412199217.